The following is an entry in ClinVar:

NM_002432.3(MNDA):c.605C>A (p.Ala202Glu)

Gene: MNDA (myeloid cell nuclear differentiation antigen; plus strand). Cytogenetic location: 1q23.1.
Variant type: single nucleotide variant.
Coding change: c.605C>A on transcript NM_002432.3 (MANE Select); coding-DNA position 605, C replaced by A.
Protein change: p.Ala202Glu; replaces alanine 202 with glutamic acid.
Molecular consequence: missense variant.
Genome position (GRCh38, 1-based): chr1:158,845,621, C>A. VCF-style: chr1-158845621-C-A. GRCh37 (hg19) VCF-style: chr1-158815411-C-A.
Other names: short protein forms A202E.
Identifiers: ClinVar variation 2496912 (VCV002496912.2), dbSNP rs146915405, ClinGen allele CA1185671.
Genomic context (GRCh38, chr1:158,845,621, plus strand): 5'-TATTTTCTTGTGTCTGCCCAACACAGAATCAGGAAACCCAGGCCCAACGGCAGGTGGATG[C>A]AAGAAGAAATGTTCCCCAAAACGACCCAGTGACAGTGGTGGTACTGAAAGCAACAGCGCC-3'
Protein context (NP_002423.1, residues 192-212): QETQAQRQVD[Ala202Glu]RRNVPQNDPV

ClinVar aggregate classification (germline): Uncertain significance (1 of 4 stars; one submission).

Allele frequency attached by ClinVar (database versions not stated): ExAC 0.00002; gnomAD 0.00002; TOPMed 0.00002; ESP Exome Variant Server 0.00008.

Submission:

Ambry Genetics
Classification: Uncertain significance. Last evaluated: 2023-02-20. Review status: criteria provided, single submitter. Criteria: Ambry Variant Classification Scheme 2023. Collection method: clinical testing. Allele origin: germline.
Comment: The p.A202E variant (also known as c.605C>A), located in coding exon 4 of the MNDA gene, results from a C to A substitution at nucleotide position 605. The alanine at codon 202 is replaced by glutamic acid, an amino acid with dissimilar properties. This amino acid position is conserved. In addition, this alteration is predicted to be tolerated by in silico analysis. Since supporting evidence is limited at this time, the clinical significance of this alteration remains unclear.